The following is an entry in ClinVar:

NM_000090.4(COL3A1):c.284C>T (p.Pro95Leu)

Gene: COL3A1 (collagen type III alpha 1 chain; plus strand). Cytogenetic location: 2q32.2.
Variant type: single nucleotide variant.
Coding change: c.284C>T on transcript NM_000090.4 (MANE Select); coding-DNA position 284, C replaced by T.
Protein change: p.Pro95Leu; replaces proline 95 with leucine.
Molecular consequence: missense variant.
Genome position (GRCh38, 1-based): chr2:188,985,198, C>T. VCF-style: chr2-188985198-C-T. GRCh37 (hg19) VCF-style: chr2-189849924-C-T.
Other names: short protein forms P95L.
Identifiers: ClinVar variation 333047 (VCV000333047.20), dbSNP rs780260944, ClinGen allele CA075683.

ClinVar aggregate classification (germline): Conflicting classifications of pathogenicity. Review status: criteria provided, conflicting classifications (1 of 4 stars). 5 submissions from 5 submitters: Uncertain significance (4); Likely benign (1). Last evaluated 2026-01-08.

Conditions:
Ehlers-Danlos syndrome, type 4 (EDSVASC). Also called: Ehlers-Danlos Syndrome Type IV; Ehlers-Danlos syndrome vascular type; Ehlers Danlos syndrome, ecchymotic type; Ehlers Danlos syndrome, arterial type; Ehlers Danlos syndrome, Sack-Barabas type. Identifiers: Orphanet 286, MedGen C0268338, MONDO:0017314, OMIM 130050.
Familial thoracic aortic aneurysm and aortic dissection (TAAD). Also called: Thoracic aortic aneurysms and dissections. Identifiers: Orphanet 91387, MedGen C4707243, MONDO:0019625.

Allele frequency attached by ClinVar (database versions not stated): gnomAD exomes below 0.00001 and 0.00001; ExAC 0.00001; gnomAD 0.00001; TOPMed 0.00001.

Submissions (5):

Labcorp Genetics (formerly Invitae), Labcorp
Classification: Uncertain significance for Ehlers-Danlos syndrome, type 4. Last evaluated: 2026-01-08. Review status: criteria provided, single submitter. Criteria: Invitae Variant Classification Sherloc (09022015). Collection method: clinical testing. Allele origin: germline.
Comment: This sequence change replaces proline, which is neutral and non-polar, with leucine, which is neutral and non-polar, at codon 95 of the COL3A1 protein (p.Pro95Leu). This variant is present in population databases (rs780260944, gnomAD 0.002%). This variant has not been reported in the literature in individuals affected with COL3A1-related conditions. ClinVar contains an entry for this variant (Variation ID: 333047). Experimental studies and prediction algorithms are not available or were not evaluated, and the functional significance of this variant is currently unknown. In summary, the available evidence is currently insufficient to determine the role of this variant in disease. Therefore, it has been classified as a Variant of Uncertain Significance.

Color Diagnostics, LLC DBA Color Health
Classification: Likely benign for Familial thoracic aortic aneurysm and aortic dissection. Last evaluated: 2024-10-29. Review status: criteria provided, single submitter. Criteria: ACMG Guidelines, 2015. Collection method: clinical testing. Allele origin: germline.

All of Us Research Program, National Institutes of Health
Classification: Uncertain significance for Ehlers-Danlos syndrome, type 4. Last evaluated: 2023-08-08. Review status: criteria provided, single submitter. Criteria: ACMG Guidelines, 2015. Collection method: clinical testing. Allele origin: germline. Inheritance: Autosomal dominant inheritance. Observed: 2 variant alleles, 2 heterozygotes.
Comment: This missense variant replaces proline with leucine at codon 95 of the COL3A1 protein. Computational prediction suggests that this variant may not impact protein structure and function (internally defined REVEL score threshold <= 0.5, PMID: 27666373). Splice site prediction tools suggest that this variant may not impact RNA splicing. To our knowledge, functional studies have not been performed for this variant. This variant has not been reported in individuals affected with cardiovascular disorders in the literature. This variant has been identified in 2/250840 chromosomes in the general population by the Genome Aggregation Database (gnomAD). The available evidence is insufficient to determine the role of this variant in disease conclusively. Therefore, this variant is classified as a Variant of Uncertain Significance.

This study involves interpretation of variants in research participants for the purpose of population health screening. Participant phenotype was not available at the time of variant classification. Additional details can be found in publication PMID: 35346344, PMCID: PMC8962531

Ambry Genetics
Classification: Uncertain significance for Familial thoracic aortic aneurysm and aortic dissection. Last evaluated: 2022-07-21. Review status: criteria provided, single submitter. Criteria: Ambry Variant Classification Scheme 2023. Collection method: clinical testing. Allele origin: germline.
Comment: The p.P95L variant (also known as c.284C>T), located in coding exon 3 of the COL3A1 gene, results from a C to T substitution at nucleotide position 284. The proline at codon 95 is replaced by leucine, an amino acid with similar properties. This amino acid position is not well conserved in available vertebrate species. In addition, this alteration is predicted to be tolerated by in silico analysis. Since supporting evidence is limited at this time, the clinical significance of this alteration remains unclear.

Illumina Laboratory Services, Illumina
Classification: Uncertain significance for Ehlers-Danlos syndrome, type 4. Last evaluated: 2018-01-12. Review status: criteria provided, single submitter. Criteria: ICSL Variant Classification Criteria 13 December 2019. Collection method: clinical testing. Allele origin: germline.